The following is an entry in ClinVar:

NM_007186.6(CEP250):c.3629C>T (p.Ala1210Val)

Gene: CEP250 (centrosomal protein 250; plus strand). Cytogenetic location: 20q11.22.
Variant type: single nucleotide variant.
Coding change: c.3629C>T on transcript NM_007186.6 (MANE Select); coding-DNA position 3629, C replaced by T.
Protein change: p.Ala1210Val; replaces alanine 1210 with valine.
Molecular consequence: missense variant.
Genome position (GRCh38, 1-based): chr20:35,498,041, C>T. VCF-style: chr20-35498041-C-T. GRCh37 (hg19) VCF-style: chr20-34085870-C-T.
Other names: c.1733C>T, p.Ala578Val (NM_001318219.1); c.3629C>T (NM_007186.3); short protein forms A1210V, A578V.
Identifiers: ClinVar variation 968261 (VCV000968261.12), dbSNP rs199592435, ClinGen allele CA9833508.

ClinVar aggregate classification (germline): Uncertain significance. Review status: criteria provided, multiple submitters, no conflicts (2 of 4 stars). 4 submissions from 4 submitters: Uncertain significance (2). 2 of the submissions do not count toward it. Last evaluated 2025-09-02.

Allele frequency attached by ClinVar (database versions not stated): gnomAD 0.00005; gnomAD exomes 0.00005 and 0.00013; TOPMed 0.00005; ExAC 0.00007; ESP Exome Variant Server 0.00008.
gnomAD v4.1: 185 of 1,587,394 alleles (0.012%); highest among the groups gnomAD compares: Non-Finnish European, 0.015%; no homozygotes.

Submissions (4):

Labcorp Genetics (formerly Invitae), Labcorp
Classification: Uncertain significance. Last evaluated: 2025-09-02. Review status: criteria provided, single submitter. Criteria: Invitae Variant Classification Sherloc (09022015). Collection method: clinical testing. Allele origin: germline.
Comment: This sequence change replaces alanine, which is neutral and non-polar, with valine, which is neutral and non-polar, at codon 1210 of the CEP250 protein (p.Ala1210Val). This variant is present in population databases (rs199592435, gnomAD 0.01%). This variant has not been reported in the literature in individuals affected with CEP250-related conditions. ClinVar contains an entry for this variant (Variation ID: 968261). An algorithm developed to predict the effect of missense changes on protein structure and function outputs the following: PolyPhen-2: "Benign". The valine amino acid residue is found in multiple mammalian species, which suggests that this missense change does not adversely affect protein function. In summary, the available evidence is currently insufficient to determine the role of this variant in disease. Therefore, it has been classified as a Variant of Uncertain Significance.

Ambry Genetics
Classification: Uncertain significance. Last evaluated: 2023-10-13. Review status: criteria provided, single submitter. Criteria: Ambry Variant Classification Scheme 2023. Collection method: clinical testing. Allele origin: germline.

Clinical Genetics DNA and cytogenetics Diagnostics Lab, Erasmus MC, Erasmus Medical Center
Classification: Likely benign. Review status: no assertion criteria provided. Collection method: clinical testing. Allele origin: germline. Affected: yes. Study: VKGL Data-share Consensus. Not counted in ClinVar's aggregate classification.

Clinical Genetics, Academic Medical Center
Classification: Benign. Review status: no assertion criteria provided. Collection method: clinical testing. Allele origin: germline. Affected: yes. Study: VKGL Data-share Consensus. Not counted in ClinVar's aggregate classification.